The following is an entry in ClinVar:

NM_001005242.3(PKP2):c.1379-2102C>G

Gene: PKP2 (plakophilin 2; minus strand). Cytogenetic location: 12p11.21.
Variant type: single nucleotide variant.
Coding change: c.1379-2102C>G on transcript NM_001005242.3 (MANE Select); 2102 bases into the intron before coding-DNA position 1379, C replaced by G.
Molecular consequence: intron variant. On other transcripts: missense variant (1).
Genome position (GRCh38, 1-based): chr12:32,843,307, G>C on the plus strand (C>G on the coding strand, the complement: PKP2 is on the minus strand). VCF-style: chr12-32843307-G-C. GRCh37 (hg19) VCF-style: chr12-32996241-G-C.
Other names: c.1385C>G, p.Thr462Arg (NM_004572.4); short protein forms T462R.
Identifiers: ClinVar variation 659901 (VCV000659901.24), dbSNP rs762631031, ClinGen allele CA028084.

ClinVar aggregate classification (germline): Conflicting classifications of pathogenicity. Review status: criteria provided, conflicting classifications (1 of 4 stars). 10 submissions from 10 submitters: Uncertain significance (7); Likely benign (3). Last evaluated 2026-07-06.

Conditions:
Cardiovascular phenotype. Identifiers: MedGen CN230736.
Cardiomyopathy (CMYO). Also called: Cardiomyopathies. Identifiers: Orphanet 167848, MedGen C0878544, MONDO:0004994, HP:0001638. Inheritance: Various modes of inheritance.
Arrhythmogenic right ventricular dysplasia 9 (ARVD9). Also called: Arrhythmogenic Right Ventricular Dysplasia/Cardiomyopathy 9; ARRHYTHMOGENIC RIGHT VENTRICULAR DYSPLASIA, FAMILIAL, 9. Identifiers: MedGen C1836906, MONDO:0012180, OMIM 609040.
PKP2-related disorder. Also called: PKP2-related condition.
Arrhythmogenic right ventricular cardiomyopathy (ARVD). Also called: Arrhythmogenic Right Ventricular Cardiomyopathy (ARVC); Arrhythmogenic right ventricular dysplasia; Arrhythmogenic cardiomyopathy; Cardiomyopathy, ARVC. Identifiers: Orphanet 247, MedGen C0349788, MeSH D019571, MONDO:0016587. Disease mechanism: loss of function. Inheritance: Various modes of inheritance.

Allele frequency attached by ClinVar (database versions not stated): gnomAD exomes 0.00007 and 0.00003; TOPMed 0.00003; ExAC 0.00004; gnomAD 0.00004.
gnomAD v4.1: 93 of 1,364,562 alleles (0.0068%); highest among the groups gnomAD compares: Non-Finnish European, 0.0085%; no homozygotes.

Submissions (10):

PreventionGenetics, part of Exact Sciences
Classification: Uncertain significance for PKP2-related condition. Last evaluated: 2026-07-06. Review status: criteria provided, single submitter. Criteria: ACMG Guidelines, 2015. Collection method: clinical testing. Allele origin: germline.
Comment: The PKP2 c.1385C>G variant is predicted to result in the amino acid substitution p.Thr462Arg. This variant has been reported in an individual with dilated cardiomyopathy (Supplementary data, Dries et al. 2021. PubMed ID: 34120153). This variant is reported in 0.0071% of alleles in individuals of European (Non-Finnish) descent in gnomAD. Although we suspect that this variant may be benign, at this time, the clinical significance of this variant is uncertain due to the absence of conclusive functional and genetic evidence.

Labcorp Genetics (formerly Invitae), Labcorp
Classification: Uncertain significance for Arrhythmogenic right ventricular dysplasia 9. Last evaluated: 2025-12-24. Review status: criteria provided, single submitter. Criteria: Invitae Variant Classification Sherloc (09022015). Collection method: clinical testing. Allele origin: germline.
Comment: This sequence change replaces threonine, which is neutral and polar, with arginine, which is basic and polar, at codon 462 of the PKP2 protein (p.Thr462Arg). This variant is present in population databases (rs762631031, gnomAD 0.007%). This variant has not been reported in the literature in individuals affected with PKP2-related conditions. ClinVar contains an entry for this variant (Variation ID: 659901). An algorithm developed to predict the effect of missense changes on protein structure and function (PolyPhen-2) suggests that this variant is likely to be tolerated. In summary, the available evidence is currently insufficient to determine the role of this variant in disease. Therefore, it has been classified as a Variant of Uncertain Significance.

Molecular Diagnostic Laboratory for Inherited Cardiovascular Disease, Montreal Heart Institute
Classification: Likely benign. Last evaluated: 2025-04-09. Review status: criteria provided, single submitter. Criteria: ACMG Guidelines, 2015. Collection method: clinical testing. Allele origin: germline. Affected: no.
Comment: BP4

GeneDx
Classification: Uncertain significance. Last evaluated: 2024-12-09. Review status: criteria provided, single submitter. Criteria: GeneDx Variant Classification Process June 2021. Collection method: clinical testing. Allele origin: germline. Affected: yes.
Comment: In silico analysis indicates that this missense variant does not alter protein structure/function; This variant is associated with the following publications: (PMID: 34120153)

Blueprint Genetics
Classification: Likely benign. Last evaluated: 2024-09-10. Review status: criteria provided, single submitter. Criteria: ACMG Guidelines, 2015. Collection method: clinical testing. Allele origin: germline.

All of Us Research Program, National Institutes of Health
Classification: Uncertain significance for Arrhythmogenic right ventricular cardiomyopathy. Last evaluated: 2024-07-20. Review status: criteria provided, single submitter. Criteria: ACMG Guidelines, 2015. Collection method: clinical testing. Allele origin: germline. Inheritance: Autosomal dominant inheritance. Observed: 30 variant alleles, 30 heterozygotes.
Comment: This missense variant replaces threonine with arginine at codon 462 of the PKP2 protein. Computational prediction suggests that this variant may not impact protein structure and function (internally defined REVEL score threshold <= 0.5, PMID: 27666373). To our knowledge, functional studies have not been reported for this variant. This variant has not been reported in individuals affected with cardiovascular disorders in the literature. This variant has been identified in 9/278038 chromosomes in the general population by the Genome Aggregation Database (gnomAD). The available evidence is insufficient to determine the role of this variant in disease conclusively. Therefore, this variant is classified as a Variant of Uncertain Significance.

This study involves interpretation of variants in research participants for the purpose of population health screening. Participant phenotype was not available at the time of variant classification. Additional details can be found in publication PMID: 35346344, PMCID: PMC8962531

Color Diagnostics, LLC DBA Color Health
Classification: Uncertain significance for Cardiomyopathy. Last evaluated: 2024-03-06. Review status: criteria provided, single submitter. Criteria: ACMG Guidelines, 2015. Collection method: clinical testing. Allele origin: germline.
Comment: This missense variant replaces threonine with arginine at codon 462 of the PKP2 protein. Computational prediction suggests that this variant may not impact protein structure and function (internally defined REVEL score threshold <= 0.5, PMID: 27666373). To our knowledge, functional studies have not been reported for this variant. This variant has not been reported in individuals affected with PKP2-related disorders in the literature. This variant has been identified in 9/278038 chromosomes in the general population by the Genome Aggregation Database (gnomAD). The available evidence is insufficient to determine the role of this variant in disease conclusively. Therefore, this variant is classified as a Variant of Uncertain Significance.

Women's Health and Genetics/Laboratory Corporation of America, LabCorp
Classification: Uncertain significance. Last evaluated: 2023-10-02. Review status: criteria provided, single submitter. Criteria: LabCorp Variant Classification Summary - May 2015. Collection method: clinical testing. Allele origin: germline.
Comment: Variant summary: PKP2 c.1385C>G (p.Thr462Arg) results in a non-conservative amino acid change in the encoded protein sequence. Four of five in-silico tools predict a benign effect of the variant on protein function. The variant allele was found at a frequency of 3.2e-05 in 246648 control chromosomes (gnomAD). The available data on variant occurrences in the general population are insufficient to allow any conclusion about variant significance. To our knowledge, no occurrence of c.1385C>G in individuals affected with Arrhythmogenic Right Ventricular Dysplasia/Cardiomyopathy and no experimental evidence demonstrating its impact on protein function have been reported. Four ClinVar submitters have assessed the variant since 2014: three classified the variant as uncertain significance and one as likely benign. Based on the evidence outlined above, the variant was classified as uncertain significance.

Laboratory for Molecular Medicine, Mass General Brigham Personalized Medicine
Classification: Uncertain significance. Last evaluated: 2018-12-21. Review status: criteria provided, single submitter. Criteria: LMM Criteria. Collection method: clinical testing. Allele origin: germline. Observed: 1 variant allele.
Comment: The p.Thr462Arg variant in PKP2 has not been previously reported in individuals with ARVC, but has been identified in 0.007% (9/126472) of European chromosomes by gnomAD. Computational prediction tools and conservation analysis suggest that this variant may not impact the protein, tho ugh this information is not predictive enough to rule out pathogenicity. In summ ary, the clinical significance of this variant is uncertain. ACMG/AMP Criteria a pplied: BP4.

Ambry Genetics
Classification: Likely benign for Cardiovascular phenotype. Last evaluated: 2018-11-01. Review status: criteria provided, single submitter. Criteria: Ambry Variant Classification Scheme 2023. Collection method: clinical testing. Allele origin: germline.